The following is an entry in ClinVar:

ClinVar aggregate classification (germline): Pathogenic. Review status: criteria provided, multiple submitters, no conflicts (2 of 4 stars). 2 submissions from 2 submitters: Pathogenic (2). Last evaluated 2023-04-26.

Conditions:
Familial adenomatous polyposis 1 (FAP1). Also called: FAMILIAL ADENOMATOUS POLYPOSIS 1, ATTENUATED; POLYPOSIS, ADENOMATOUS INTESTINAL. Identifiers: MedGen C2713442, MONDO:0021056, OMIM 175100. Disease mechanism: loss of function.

Submissions (2):

Myriad Genetics, Inc.
Classification: Pathogenic for Familial adenomatous polyposis 1. Last evaluated: 2023-04-26. Review status: criteria provided, single submitter. Criteria: Myriad Autosomal Dominant, Autosomal Recessive and X-Linked Classification Criteria (2023). Collection method: clinical testing. Allele origin: unknown.
Comment: This variant is considered pathogenic. This variant creates a frameshift predicted to result in premature protein truncation.

Labcorp Genetics (formerly Invitae), Labcorp
Classification: Pathogenic for Familial adenomatous polyposis 1. Last evaluated: 2019-06-04. Review status: criteria provided, single submitter. Criteria: Invitae Variant Classification Sherloc (09022015). Collection method: clinical testing. Allele origin: germline.
Comment: For these reasons, this variant has been classified as Pathogenic. Loss-of-function variants in APC are known to be pathogenic (PMID: 17963004, 20685668). This variant has been observed in an individual affected with familial adenomatous polyposis (PMID: 9375853). This variant is also known as 515insT (Q176X) in the literature. This variant is not present in population databases (ExAC no frequency). This sequence change creates a premature translational stop signal (p.Pro173Serfs*4) in the APC gene. It is expected to result in an absent or disrupted protein product.

Literature cited by the submitters: PubMed 17963004 (cited by Labcorp Genetics (formerly Invitae), Labcorp); PubMed 20685668 (cited by Labcorp Genetics (formerly Invitae), Labcorp); PubMed 9375853 (cited by Labcorp Genetics (formerly Invitae), Labcorp).

NM_000038.6(APC):c.516dup (p.Pro173fs)

Gene: APC (APC regulator of Wnt signaling pathway; plus strand). Cytogenetic location: 5q22.2.
Variant type: Duplication.
Coding change: c.516dup on transcript NM_000038.6 (MANE Select); coding-DNA position 516, one base duplicated (T; older notation c.516dupT).
Protein change: p.Pro173fs; shifts the reading frame from proline 173.
Molecular consequence: frameshift variant. On other transcripts: 5 prime UTR variant (1).
Genome position (GRCh38, 1-based): chr5:112,775,722, T duplicated; the last of 2 consecutive T bases (chr5:112,775,721-112,775,722); duplicating either gives the same sequence. VCF-style (leftmost placement, unchanged base first): chr5-112775720-C-CT. GRCh37 (hg19) VCF-style: chr5-112111417-C-CT.
Other names: c.516dup, p.Pro173fs (NM_001127510.3, NM_001354895.2, NM_001354896.2 and 2 more transcripts); c.546dup, p.Pro183fs (NM_001127511.3, NM_001354897.2, NM_001354902.2); c.441dup, p.Pro148fs (NM_001354898.2, NM_001354904.2); c.339dup, p.Pro114fs (NM_001354900.2, NM_001354901.2, NM_001354905.2); c.-520dup (NM_001354906.2); short protein forms P148fs, P114fs, P173fs, P183fs.
Identifiers: ClinVar variation 650318 (VCV000650318.13), dbSNP rs1580359575, ClinGen allele CA658760458.